The following is an entry in ClinVar:

ClinVar aggregate classification (germline): Uncertain significance (1 of 4 stars; one submission).

Conditions:
Myopathy caused by variation in FKTN. Identifiers: MedGen CN305638, MONDO:0700067.

gnomAD v4.1: 1 of 1,535,458 alleles (0.000065%); highest among the groups gnomAD compares: Non-Finnish European, 0.000087%; no homozygotes.

Submission:

Myriad Genetics, Inc.
Classification: Uncertain significance for Myopathy caused by variation in FKTN. Last evaluated: 2025-12-09. Review status: criteria provided, single submitter. Criteria: Myriad Autosomal Dominant, Autosomal Recessive and X-Linked Classification Criteria (2023). Collection method: clinical testing. Allele origin: unknown.
Comment: NM_001079802.1(FKTN):c.*4858G>T is a 3' non-coding variant classified as a variant of uncertain significance in the context of FKTN-related disorders. c.*4858G>T has not been observed in cases with relevant disease. Relevant functional assessments of this variant are not available in the literature. c.*4858G>T has not been observed in referenced population frequency databases. In summary, there is insufficient evidence to classify NM_001079802.1(FKTN):c.*4858G>T as pathogenic or benign. Please note: this variant was assessed in the context of healthy population screening.

NM_001079802.2(FKTN):c.*4858G>T

Gene: FKTN (fukutin; plus strand). Cytogenetic location: 9q31.2.
Variant type: single nucleotide variant.
Coding change: c.*4858G>T on transcript NM_001079802.2 (MANE Select); 4858 bases downstream of the stop codon, G replaced by T.
Molecular consequence: 3 prime UTR variant. On other transcripts: stop lost (1), non-coding transcript variant (2).
Genome position (GRCh38, 1-based): chr9:105,640,122, G>T. VCF-style: chr9-105640122-G-T. GRCh37 (hg19) VCF-style: chr9-108402403-G-T.
Other names: c.1292G>T, p.Ter431Leu (NM_001198963.2); c.*4858G>T (NM_001351496.2, NM_001351497.2, NM_001351499.2 and 4 more transcripts); c.*5036G>T (NM_001351498.2).
Identifiers: ClinVar variation 5003775 (VCV005003775.1).
Genomic context (GRCh38, chr9:105,640,122, plus strand): 5'-TACTTTCTGCCCTCAAATTTCTGTTTCTATCTCAACTAGGCAAGAATCAGCAGGGTGCAT[G>T]ATGCCATTTTAAGCTGCTTCACATCAGACTGAAATCCTAATTACAGTTCATAAGTGAAAC-3'